The following is an entry in ClinVar:

ClinVar aggregate classification (germline): Uncertain significance. Review status: criteria provided, multiple submitters, no conflicts (2 of 4 stars). 2 submissions from 2 submitters: Uncertain significance (2). Last evaluated 2024-11-10.

Conditions:
Inborn genetic diseases. Identifiers: MedGen C0950123, MeSH D030342.

gnomAD v4.1: 60 of 1,613,890 alleles (0.0037%); highest among the groups gnomAD compares: South Asian, 0.053%; 1 homozygote.

Submissions (2):

Ambry Genetics
Classification: Uncertain significance for Inborn genetic diseases. Last evaluated: 2024-11-10. Review status: criteria provided, single submitter. Criteria: Ambry Variant Classification Scheme 2023. Collection method: clinical testing. Allele origin: germline.

Labcorp Genetics (formerly Invitae), Labcorp
Classification: Uncertain significance. Last evaluated: 2024-03-06. Review status: criteria provided, single submitter. Criteria: Invitae Variant Classification Sherloc (09022015). Collection method: clinical testing. Allele origin: germline.
Comment: This sequence change replaces arginine, which is basic and polar, with tryptophan, which is neutral and slightly polar, at codon 532 of the LTBP2 protein (p.Arg532Trp). This variant is present in population databases (rs528631750, gnomAD 0.06%), including at least one homozygous and/or hemizygous individual. This variant has not been reported in the literature in individuals affected with LTBP2-related conditions. An algorithm developed to predict the effect of missense changes on protein structure and function (PolyPhen-2) suggests that this variant is likely to be tolerated. In summary, the available evidence is currently insufficient to determine the role of this variant in disease. Therefore, it has been classified as a Variant of Uncertain Significance.

NM_000428.3(LTBP2):c.1594C>T (p.Arg532Trp)

Gene: LTBP2 (latent transforming growth factor beta binding protein 2; minus strand). Cytogenetic location: 14q24.3.
Variant type: single nucleotide variant.
Coding change: c.1594C>T on transcript NM_000428.3 (MANE Select); coding-DNA position 1594, C replaced by T.
Protein change: p.Arg532Trp; replaces arginine 532 with tryptophan.
Molecular consequence: missense variant.
Genome position (GRCh38, 1-based): chr14:74,551,156, G>A on the plus strand (C>T on the coding strand, the complement: LTBP2 is on the minus strand). VCF-style: chr14-74551156-G-A. GRCh37 (hg19) VCF-style: chr14-75017859-G-A.
Other names: short protein forms R532W.
Identifiers: ClinVar variation 3541047 (VCV003541047.3).
Genomic context (GRCh38, chr14:74,551,156, plus strand): 5'-CCAGCAGTCCTCGAGGCCTGGGTGCTGCTGGGGGCAGTGGCCGAGGGGGCTCTCCAGACC[G>A]AGCAGGGATGTTGTTGCTGTCCCAGAGGCTGTGGCCAGGGCTGGCAGGCAGCCAGGGCGG-3'
Protein context (NP_000419.1, residues 522-542): SLWDSNNIPA[Arg532Trp]SGEPPRPLPP